The following is an entry in ClinVar:

NM_000321.3(RB1):c.841C>T (p.His281Tyr)

Gene: RB1 (RB transcriptional corepressor 1; plus strand). Cytogenetic location: 13q14.2.
Variant type: single nucleotide variant.
Coding change: c.841C>T on transcript NM_000321.3 (MANE Select); coding-DNA position 841, C replaced by T.
Protein change: p.His281Tyr; replaces histidine 281 with tyrosine.
Molecular consequence: missense variant.
Genome position (GRCh38, 1-based): chr13:48,362,937, C>T. VCF-style: chr13-48362937-C-T. GRCh37 (hg19) VCF-style: chr13-48937073-C-T.
Other names: c.841C>T (NM_000321.2); short protein forms H281Y.
Identifiers: ClinVar variation 1498976 (VCV001498976.10), dbSNP rs933023013, ClinGen allele CA249274444.

ClinVar aggregate classification (germline): Uncertain significance. Review status: criteria provided, multiple submitters, no conflicts (2 of 4 stars). 2 submissions from 2 submitters: Uncertain significance (2). Last evaluated 2024-05-14.

Conditions:
Retinoblastoma (RB1). Also called: RETINOBLASTOMA, SOMATIC. Identifiers: Orphanet 790, MedGen C0035335, MeSH D012175, MONDO:0008380, OMIM 180200, HP:0009919. Disease mechanism: loss of function. Inheritance: Both sporadic and heritable forms are tested..
Hereditary cancer-predisposing syndrome. Also called: Tumor predisposition; Hereditary neoplastic syndrome; Neoplastic Syndromes, Hereditary; Hereditary Cancer Syndrome. Identifiers: Orphanet 140162, MedGen C0027672, MeSH D009386, MONDO:0015356.

Allele frequency attached by ClinVar (database versions not stated): TOPMed below 0.00001.

Submissions (2):

Labcorp Genetics (formerly Invitae), Labcorp
Classification: Uncertain significance for Retinoblastoma. Last evaluated: 2024-05-14. Review status: criteria provided, single submitter. Criteria: Invitae Variant Classification Sherloc (09022015). Collection method: clinical testing. Allele origin: germline.
Comment: This sequence change replaces histidine, which is basic and polar, with tyrosine, which is neutral and polar, at codon 281 of the RB1 protein (p.His281Tyr). This variant is not present in population databases (gnomAD no frequency). This variant has not been reported in the literature in individuals affected with RB1-related conditions. ClinVar contains an entry for this variant (Variation ID: 1498976). Advanced modeling of protein sequence and biophysical properties (such as structural, functional, and spatial information, amino acid conservation, physicochemical variation, residue mobility, and thermodynamic stability) performed at Invitae indicates that this missense variant is not expected to disrupt RB1 protein function with a negative predictive value of 80%. In summary, the available evidence is currently insufficient to determine the role of this variant in disease. Therefore, it has been classified as a Variant of Uncertain Significance.

Ambry Genetics
Classification: Uncertain significance for Hereditary cancer-predisposing syndrome. Last evaluated: 2023-07-21. Review status: criteria provided, single submitter. Criteria: Ambry Variant Classification Scheme 2023. Collection method: clinical testing. Allele origin: germline.
Comment: The p.H281Y variant (also known as c.841C>T), located in coding exon 8 of the RB1 gene, results from a C to T substitution at nucleotide position 841. The histidine at codon 281 is replaced by tyrosine, an amino acid with similar properties. This amino acid position is conserved. In addition, the in silico prediction for this alteration is inconclusive. Since supporting evidence is limited at this time, the clinical significance of this alteration remains unclear.